The following is an entry in ClinVar:

NM_054012.4(ASS1):c.102T>G (p.Tyr34Ter)

Gene: ASS1 (argininosuccinate synthase 1; plus strand). Cytogenetic location: 9q34.11.
Variant type: single nucleotide variant.
Coding change: c.102T>G on transcript NM_054012.4 (MANE Select); coding-DNA position 102, T replaced by G.
Protein change: p.Tyr34Ter; replaces tyrosine 34 with a stop codon.
Molecular consequence: nonsense.
Genome position (GRCh38, 1-based): chr9:130,452,330, T>G. VCF-style: chr9-130452330-T-G. GRCh37 (hg19) VCF-style: chr9-133327717-T-G.
Other names: c.102T>G, p.Tyr34Ter (NM_000050.4); short protein forms Y34*.
Identifiers: ClinVar variation 3596478 (VCV003596478.3).

ClinVar aggregate classification (germline): Pathogenic. Review status: criteria provided, multiple submitters, no conflicts (2 of 4 stars). 2 submissions from 2 submitters: Pathogenic (2). Last evaluated 2025-04-25.

Conditions:
Citrullinemia type I (CTNL1). Also called: ASS DEFICIENCY; argininosuccinate synthetase deficiency. Identifiers: Orphanet 247525, MedGen C4721769, MONDO:0008988, OMIM 215700.

gnomAD v4.1: 2 of 1,613,512 alleles (0.00012%); highest among the groups gnomAD compares: South Asian, 0.0011%; no homozygotes.

Submissions (2):

Natera, Inc.
Classification: Pathogenic for Citrullinemia type I. Last evaluated: 2025-04-25. Review status: criteria provided, single submitter. Criteria: Natera Variant Classification Schema (03/2026). Collection method: clinical testing. Allele origin: germline.
Comment: The c.102T>G variant in ASS1 is a nonsense variant predicted to introduce a stop codon at amino acid 34. This variant is expected to result in nonsense mediated decay, truncation, or a dysfunctional protein product. This variant is rare in the general population with a frequency below the threshold expected for the associated phenotype(s). This variant has been observed in one or more individuals affected with the associated recessive disease, as either homozygous or compound heterozygous with a second variant (PMID: 31469252). Given the available evidence, this variant is classified as Pathogenic.

Fulgent Genetics
Classification: Pathogenic for Citrullinemia type I. Last evaluated: 2024-06-25. Review status: criteria provided, single submitter. Criteria: ACMG Guidelines, 2015. Collection method: clinical testing. Allele origin: germline.

Literature cited by the submitters: PubMed 31469252 (cited by Natera, Inc.).